The following is an entry in ClinVar:

ClinVar aggregate classification (germline): Uncertain significance (1 of 4 stars; one submission).

Submission:

GeneDx
Classification: Uncertain significance. Last evaluated: 2026-03-14. Review status: criteria provided, single submitter. Criteria: GeneDx Variant Classification Process June 2021. Collection method: clinical testing. Allele origin: germline.
Comment: Not observed at significant frequency in large population cohorts (gnomAD); In silico analysis supports that this missense variant has a deleterious effect on protein structure/function; Has not been previously published as pathogenic or benign to our knowledge

NM_001379200.1(TBX1):c.560C>T (p.Ser187Phe)

Gene: TBX1 (T-box transcription factor 1; plus strand). Cytogenetic location: 22q11.21.
Variant type: single nucleotide variant.
Coding change: c.560C>T on transcript NM_001379200.1 (MANE Select); coding-DNA position 560, C replaced by T.
Protein change: p.Ser187Phe; replaces serine 187 with phenylalanine.
Molecular consequence: missense variant.
Genome position (GRCh38, 1-based): chr22:19,764,175, C>T. VCF-style: chr22-19764175-C-T. GRCh37 (hg19) VCF-style: chr22-19751698-C-T.
Other names: c.533C>T, p.Ser178Phe (NM_005992.1, NM_080646.2, NM_080647.1); short protein forms S178F, S187F.
Identifiers: ClinVar variation 5009034 (VCV005009034.1).